The following is an entry in ClinVar:

ClinVar aggregate classification (germline): Benign/Likely benign. Review status: criteria provided, multiple submitters, no conflicts (2 of 4 stars). 2 submissions from 2 submitters: Benign (1); Likely benign (1). Last evaluated 2025-10-23.

Conditions:
Familial adenomatous polyposis 1 (FAP1). Also called: FAMILIAL ADENOMATOUS POLYPOSIS 1, ATTENUATED; POLYPOSIS, ADENOMATOUS INTESTINAL. Identifiers: MedGen C2713442, MONDO:0021056, OMIM 175100. Disease mechanism: loss of function.

Submissions (2):

Labcorp Genetics (formerly Invitae), Labcorp
Classification: Likely benign for Familial adenomatous polyposis 1. Last evaluated: 2025-10-23. Review status: criteria provided, single submitter. Criteria: Invitae Variant Classification Sherloc (09022015). Collection method: clinical testing. Allele origin: germline.

Myriad Genetics, Inc.
Classification: Benign for Familial adenomatous polyposis 1. Last evaluated: 2024-02-29. Review status: criteria provided, single submitter. Criteria: Myriad Autosomal Dominant, Autosomal Recessive and X-Linked Classification Criteria (2023). Collection method: clinical testing. Allele origin: unknown.
Comment: This variant is considered benign. This variant is a silent/synonymous amino acid change and it is not expected to impact splicing.

NM_000038.6(APC):c.1002G>A (p.Leu334=)

Gene: APC (APC regulator of Wnt signaling pathway; plus strand). Cytogenetic location: 5q22.2.
Variant type: single nucleotide variant.
Coding change: c.1002G>A on transcript NM_000038.6 (MANE Select); coding-DNA position 1002, G replaced by A.
Protein change: p.Leu334=; no amino-acid change (leucine 334 retained).
Molecular consequence: synonymous variant. On other transcripts: non-coding transcript variant (2), intron variant (15).
Genome position (GRCh38, 1-based): chr5:112,819,034, G>A. VCF-style: chr5-112819034-G-A. GRCh37 (hg19) VCF-style: chr5-112154731-G-A.
Other names: c.1002G>A, p.Leu334= (NM_001127510.3, NM_001354895.2, NM_001354896.2 and 4 more transcripts); c.948G>A, p.Leu316= (NM_001127511.3); c.1032G>A, p.Leu344= (NM_001354897.2, NM_001407446.1); c.927G>A, p.Leu309= (NM_001354898.2, NM_001407451.1); c.918G>A, p.Leu306= (NM_001354899.2, NM_001407452.1); c.825G>A, p.Leu275= (NM_001354900.2, NM_001354901.2, NM_001407453.1); c.153G>A, p.Leu51= (NM_001354906.2, NM_001407470.1); c.85-235G>A (NM_001407472.1, NM_001407471.1); and 5 more.
Identifiers: ClinVar variation 2790516 (VCV002790516.4), dbSNP rs928733098, ClinGen allele CA124969980.